The following is an entry in ClinVar:

NM_005045.4(RELN):c.1633C>T (p.His545Tyr)

Gene: RELN (reelin; minus strand). Cytogenetic location: 7q22.1.
Variant type: single nucleotide variant.
Coding change: c.1633C>T on transcript NM_005045.4 (MANE Select); coding-DNA position 1633, C replaced by T.
Protein change: p.His545Tyr; replaces histidine 545 with tyrosine.
Molecular consequence: missense variant.
Genome position (GRCh38, 1-based): chr7:103,652,681, G>A on the plus strand (C>T on the coding strand, the complement: RELN is on the minus strand). VCF-style: chr7-103652681-G-A. GRCh37 (hg19) VCF-style: chr7-103293128-G-A.
Other names: c.1633C>T, p.His545Tyr (NM_173054.3); short protein forms H545Y.
Identifiers: ClinVar variation 2189766 (VCV002189766.4), dbSNP rs371529135, ClinGen allele CA163941137.
Genomic context (GRCh38, chr7:103,652,681, plus strand): 5'-GGAGAACAGGCAAGACATGGAAAAAGTCTACAGCCCAGACATTCCTATTATGTCCTTGAT[G>A]GTTCTTTTGCCTGAGACAAAATTTGGTAGCAGGAGTCTGAAGTTCAGGATTGATGACCAC-3'
Protein context (NP_005036.2, residues 535-555): ATKFCLRQKN[His545Tyr]QGHNRNVWAV

ClinVar aggregate classification (germline): Uncertain significance (1 of 4 stars; one submission).

Conditions:
Norman-Roberts syndrome (LIS2). Also called: Lissencephaly 2 (Norman-Roberts type). Identifiers: Orphanet 89844, MedGen C0796089, MONDO:0009760, OMIM 257320.
Familial temporal lobe epilepsy 7. Identifiers: Orphanet 101046, MedGen C4225327, MONDO:0014639, OMIM 616436.

Allele frequency attached by ClinVar (database versions not stated): gnomAD exomes below 0.00001; TOPMed 0.00001; ESP Exome Variant Server 0.00008.
gnomAD v4.1: 2 of 1,612,956 alleles (0.00012%); highest among the groups gnomAD compares: Non-Finnish European, 0.00017%; no homozygotes.

Submission:

Labcorp Genetics (formerly Invitae), Labcorp
Classification: Uncertain significance for Familial temporal lobe epilepsy 7; Norman-Roberts syndrome. Last evaluated: 2022-06-13. Review status: criteria provided, single submitter. Criteria: Invitae Variant Classification Sherloc (09022015). Collection method: clinical testing. Allele origin: germline.
Comment: In summary, the available evidence is currently insufficient to determine the role of this variant in disease. Therefore, it has been classified as a Variant of Uncertain Significance. Algorithms developed to predict the effect of missense changes on protein structure and function are either unavailable or do not agree on the potential impact of this missense change (SIFT: "Deleterious"; PolyPhen-2: "Benign"; Align-GVGD: "Class C0"). This variant has not been reported in the literature in individuals affected with RELN-related conditions. This variant is not present in population databases (gnomAD no frequency). This sequence change replaces histidine, which is basic and polar, with tyrosine, which is neutral and polar, at codon 545 of the RELN protein (p.His545Tyr).